The following is an entry in ClinVar:

NM_005548.3(KARS1):c.1688A>T (p.Asn563Ile)

Gene: KARS1 (lysyl-tRNA synthetase 1; minus strand). Cytogenetic location: 16q23.1.
Variant type: single nucleotide variant.
Coding change: c.1688A>T on transcript NM_005548.3 (MANE Select); coding-DNA position 1688, A replaced by T.
Protein change: p.Asn563Ile; replaces asparagine 563 with isoleucine.
Molecular consequence: missense variant.
Genome position (GRCh38, 1-based): chr16:75,628,576, T>A on the plus strand (A>T on the coding strand, the complement: KARS1 is on the minus strand). VCF-style: chr16-75628576-T-A. GRCh37 (hg19) VCF-style: chr16-75662474-T-A.
Other names: c.1772A>T, p.Asn591Ile (NM_001130089.2); c.1220A>T, p.Asn407Ile (NM_001378148.1); c.1772A>T (NM_001130089.1); short protein forms N407I, N563I, N591I.
Identifiers: ClinVar variation 1682408 (VCV001682408.13), dbSNP rs746483110, ClinGen allele CA8177167.

ClinVar aggregate classification (germline): Pathogenic/Likely pathogenic. Review status: criteria provided, multiple submitters, no conflicts (2 of 4 stars). 3 submissions from 3 submitters: Pathogenic (2); Likely pathogenic (1). Last evaluated 2026-01-01.

Allele frequency attached by ClinVar (database versions not stated): gnomAD 0.00001; TOPMed 0.00001; ExAC 0.00002.
gnomAD v4.1: 13 of 1,613,722 alleles (0.00081%); highest among the groups gnomAD compares: Non-Finnish European, 0.001%; no homozygotes.

Submissions (3):

CeGaT Center for Human Genetics Tuebingen
Classification: Pathogenic. Last evaluated: 2026-01-01. Review status: criteria provided, single submitter. Criteria: CeGaT Center For Human Genetics Tuebingen Variant Classification Criteria Version 2. Collection method: clinical testing. Allele origin: germline. Affected: yes. Observed: 2 variant alleles.
Comment: KARS1: PP1:Strong, PM1, PM2, PM3, PP3, PS3:Supporting

Labcorp Genetics (formerly Invitae), Labcorp
Classification: Pathogenic. Last evaluated: 2024-11-08. Review status: criteria provided, single submitter. Criteria: Invitae Variant Classification Sherloc (09022015). Collection method: clinical testing. Allele origin: germline.
Comment: This sequence change replaces asparagine, which is neutral and polar, with isoleucine, which is neutral and non-polar, at codon 591 of the KARS protein (p.Asn591Ile). This variant is present in population databases (rs746483110, gnomAD 0.0009%). This missense change has been observed in individuals with clinical features of KARS-related conditions (PMID: 30842647, 34172899). It has also been observed to segregate with disease in related individuals. ClinVar contains an entry for this variant (Variation ID: 1682408). Invitae Evidence Modeling of protein sequence and biophysical properties (such as structural, functional, and spatial information, amino acid conservation, physicochemical variation, residue mobility, and thermodynamic stability) indicates that this missense variant is expected to disrupt KARS protein function with a positive predictive value of 80%. Experimental studies have shown that this missense change affects KARS function (PMID: 33942428). For these reasons, this variant has been classified as Pathogenic.

GeneDx
Classification: Likely pathogenic. Last evaluated: 2024-05-21. Review status: criteria provided, single submitter. Criteria: GeneDx Variant Classification Process June 2021. Collection method: clinical testing. Allele origin: germline. Affected: yes.
Comment: Published functional studies suggest a damaging effect on the mitochondrial isoform of the resulting protein; however, it is unknown if the assay performed has a direct correlation with the disease mechanism (PMID: 33942428); Not observed at a significant frequency in large population cohorts (gnomAD); In silico analysis supports that this missense variant has a deleterious effect on protein structure/function; This variant is associated with the following publications: (PMID: 30842647, 34172899, 33942428)

Literature cited by the submitters: PubMed 30842647 (cited by Labcorp Genetics (formerly Invitae), Labcorp); PubMed 34172899 (cited by Labcorp Genetics (formerly Invitae), Labcorp); PubMed 33942428 (cited by Labcorp Genetics (formerly Invitae), Labcorp).